The following is an entry in ClinVar:

ClinVar aggregate classification (germline): Uncertain significance (1 of 4 stars; one submission).

Conditions:
Kabuki syndrome. Also called: NIIKAWA-KUROKI SYNDROME; Kabuki make-up syndrome. Identifiers: Orphanet 2322, MedGen C0796004, MONDO:0016512.

Submission:

Labcorp Genetics (formerly Invitae), Labcorp
Classification: Uncertain significance for Kabuki syndrome. Last evaluated: 2025-02-03. Review status: criteria provided, single submitter. Criteria: Invitae Variant Classification Sherloc (09022015). Collection method: clinical testing. Allele origin: germline.
Comment: This sequence change replaces glutamine, which is neutral and polar, with arginine, which is basic and polar, at codon 3293 of the KMT2D protein (p.Gln3293Arg). This variant is not present in population databases (gnomAD no frequency). This variant has not been reported in the literature in individuals affected with KMT2D-related conditions. Invitae Evidence Modeling of protein sequence and biophysical properties (such as structural, functional, and spatial information, amino acid conservation, physicochemical variation, residue mobility, and thermodynamic stability) indicates that this missense variant is not expected to disrupt KMT2D protein function with a negative predictive value of 95%. In summary, the available evidence is currently insufficient to determine the role of this variant in disease. Therefore, it has been classified as a Variant of Uncertain Significance.

NM_003482.4(KMT2D):c.9878A>G (p.Gln3293Arg)

Gene: KMT2D (lysine methyltransferase 2D; minus strand). Cytogenetic location: 12q13.12.
Variant type: single nucleotide variant.
Coding change: c.9878A>G on transcript NM_003482.4 (MANE Select); coding-DNA position 9878, A replaced by G.
Protein change: p.Gln3293Arg; replaces glutamine 3293 with arginine.
Molecular consequence: missense variant.
Genome position (GRCh38, 1-based): chr12:49,037,478, T>C on the plus strand (A>G on the coding strand, the complement: KMT2D is on the minus strand). VCF-style: chr12-49037478-T-C. GRCh37 (hg19) VCF-style: chr12-49431261-T-C.
Other names: short protein forms Q3293R.
Identifiers: ClinVar variation 4762245 (VCV004762245.1).